The following is an entry in ClinVar:

NM_032043.3(BRIP1):c.1736G>A (p.Arg579His)

Gene: BRIP1 (BRCA1 interacting DNA helicase 1; minus strand). Cytogenetic location: 17q23.2.
Variant type: single nucleotide variant.
Coding change: c.1736G>A on transcript NM_032043.3 (MANE Select); coding-DNA position 1736, G replaced by A.
Protein change: p.Arg579His; replaces arginine 579 with histidine.
Molecular consequence: missense variant.
Genome position (GRCh38, 1-based): chr17:61,780,898, C>T on the plus strand (G>A on the coding strand, the complement: BRIP1 is on the minus strand). VCF-style: chr17-61780898-C-T. GRCh37 (hg19) VCF-style: chr17-59858259-C-T.
Other names: short protein forms R579H.
Identifiers: ClinVar variation 530325 (VCV000530325.20), dbSNP rs768224857, ClinGen allele CA8690680.
Genomic context (GRCh38, chr17:61,780,898, plus strand): 5'-ACCACAGCTGGATTTAAGCACCAAAAGTTTAGCACATGAACTGCAGTTTTCTGTCGTGAA[C>T]GTTTCTTATTTTTTGGTAGAACCAACAACCCATTTTTGTCTGAAATATCAATCTGATTTG-3'
Protein context (NP_114432.2, residues 569-589): GLLVLPKNKK[Arg579His]SRQKTAVHVL

ClinVar aggregate classification (germline): Conflicting classifications of pathogenicity. Review status: criteria provided, conflicting classifications (1 of 4 stars). 5 submissions from 5 submitters: Uncertain significance (4); Likely benign (1). Last evaluated 2025-02-19.

Conditions:
Hereditary cancer-predisposing syndrome. Also called: Neoplastic Syndromes, Hereditary; Hereditary neoplastic syndrome; Tumor predisposition; Hereditary Cancer Syndrome. Identifiers: Orphanet 140162, MedGen C0027672, MeSH D009386, MONDO:0015356.
Fanconi anemia complementation group J. Also called: BRIP1-Related Fanconi Anemia. Identifiers: Orphanet 84, MedGen C1836860, MONDO:0012187, OMIM 609054.
Familial cancer of breast. Also called: BREAST CANCER, FAMILIAL; hereditary breast carcinoma; Hereditary breast cancer. Identifiers: Orphanet 227535, MedGen C0346153, MONDO:0016419, OMIM 114480. Disease mechanism: loss of function.

Allele frequency attached by ClinVar (database versions not stated): gnomAD exomes 0.00001 and 0.00003; ExAC 0.00003.
gnomAD v4.1: 18 of 1,614,144 alleles (0.0011%); highest among the groups gnomAD compares: South Asian, 0.013%; no homozygotes.

Submissions (5):

GeneDx
Classification: Uncertain significance. Last evaluated: 2025-02-19. Review status: criteria provided, single submitter. Criteria: GeneDx Variant Classification Process June 2021. Collection method: clinical testing. Allele origin: germline. Affected: yes.
Comment: In silico analysis indicates that this missense variant does not alter protein structure/function; Has not been previously published as pathogenic or benign to our knowledge; This variant is associated with the following publications: (PMID: 33805315, 36922933)

Quest Diagnostics Nichols Institute San Juan Capistrano
Classification: Uncertain significance. Last evaluated: 2024-11-21. Review status: criteria provided, single submitter. Criteria: Quest Diagnostics criteria. Collection method: clinical testing. Allele origin: unknown.
Comment: The BRIP1 c.1736G>A (p.Arg579His) variant has been reported in the published literature in an individual with prostate cancer (PMID: 36922933 (2022)). The frequency of this variant in the general population, 0.0002 (6/30612 chromosomes (Genome Aggregation Database)), is uninformative in the assessment of its pathogenicity. Analysis of this variant using bioinformatics tools for the prediction of the effect of amino acid changes on protein structure and function yielded predictions that this variant is benign. Based on the available information, we are unable to determine the clinical significance of this variant.

Labcorp Genetics (formerly Invitae), Labcorp
Classification: Uncertain significance for Familial cancer of breast; Fanconi anemia complementation group J. Last evaluated: 2024-11-18. Review status: criteria provided, single submitter. Criteria: Invitae Variant Classification Sherloc (09022015). Collection method: clinical testing. Allele origin: germline.
Comment: This sequence change replaces arginine, which is basic and polar, with histidine, which is basic and polar, at codon 579 of the BRIP1 protein (p.Arg579His). This variant is present in population databases (rs768224857, gnomAD 0.02%). This variant has not been reported in the literature in individuals affected with BRIP1-related conditions. ClinVar contains an entry for this variant (Variation ID: 530325). Invitae Evidence Modeling of protein sequence and biophysical properties (such as structural, functional, and spatial information, amino acid conservation, physicochemical variation, residue mobility, and thermodynamic stability) indicates that this missense variant is not expected to disrupt BRIP1 protein function with a negative predictive value of 95%. In summary, the available evidence is currently insufficient to determine the role of this variant in disease. Therefore, it has been classified as a Variant of Uncertain Significance.

Ambry Genetics
Classification: Likely benign for Hereditary cancer-predisposing syndrome. Last evaluated: 2022-06-14. Review status: criteria provided, single submitter. Criteria: Ambry Variant Classification Scheme 2023. Collection method: clinical testing. Allele origin: germline.

Color Diagnostics, LLC DBA Color Health
Classification: Uncertain significance for Hereditary cancer-predisposing syndrome. Last evaluated: 2019-04-09. Review status: criteria provided, single submitter. Criteria: ACMG Guidelines, 2015. Collection method: clinical testing. Allele origin: germline.

Literature cited by the submitters: PubMed 33805315 (cited by Quest Diagnostics Nichols Institute San Juan Capistrano); PubMed 36922933 (cited by Quest Diagnostics Nichols Institute San Juan Capistrano).